The following is an entry in ClinVar:

ClinVar aggregate classification (germline): Benign (0 of 4 stars; one submission).

Conditions:
MAPK8IP3-related disorder. Also called: MAPK8IP3-related condition.

Allele frequency attached by ClinVar (database versions not stated): gnomAD exomes 0.00049; ExAC 0.00148; 1000 Genomes Project 0.00439; 1000 Genomes Project 30x 0.00468; ESP Exome Variant Server 0.00470; gnomAD 0.00503; TOPMed 0.00520.
gnomAD v4.1: 1,498 of 1,610,898 alleles (0.093%); highest among the groups gnomAD compares: African/African-American, 1.7%; 12 homozygotes.

Submission:

PreventionGenetics, part of Exact Sciences
Classification: Benign for MAPK8IP3-related condition. Last evaluated: 2019-12-18. Review status: no assertion criteria provided. Collection method: clinical testing. Allele origin: germline.
Comment: This variant is classified as benign based on ACMG/AMP sequence variant interpretation guidelines (Richards et al. 2015 PMID: 25741868, with internal and published modifications).

NM_001318852.2(MAPK8IP3):c.2454C>T (p.Ser818=)

Gene: MAPK8IP3 (mitogen-activated protein kinase 8 interacting protein 3; plus strand). Cytogenetic location: 16p13.3.
Variant type: single nucleotide variant.
Coding change: c.2454C>T on transcript NM_001318852.2 (MANE Select); coding-DNA position 2454, C replaced by T.
Protein change: p.Ser818=; no amino-acid change (serine 818 retained).
Molecular consequence: synonymous variant.
Genome position (GRCh38, 1-based): chr16:1,765,967, C>T. VCF-style: chr16-1765967-C-T. GRCh37 (hg19) VCF-style: chr16-1815968-C-T.
Other names: c.2433C>T, p.Ser811= (NM_001040439.2); c.2451C>T, p.Ser817= (NM_015133.5, NM_033392.3).
Identifiers: ClinVar variation 3045440 (VCV003045440.2), dbSNP rs115323198, ClinGen allele CA7817300.